The following is an entry in ClinVar:

ClinVar aggregate classification (germline): Pathogenic (1 of 4 stars; one submission).

Allele frequency attached by ClinVar (database versions not stated): gnomAD 0.00001; TOPMed 0.00001.
gnomAD v4.1: 1 of 1,613,434 alleles (0.000062%); no homozygotes.

Submission:

Labcorp Genetics (formerly Invitae), Labcorp
Classification: Pathogenic. Last evaluated: 2024-06-13. Review status: criteria provided, single submitter. Criteria: Invitae Variant Classification Sherloc (09022015). Collection method: clinical testing. Allele origin: germline.
Comment: This sequence change creates a premature translational stop signal (p.Gly285*) in the TBX20 gene. It is expected to result in an absent or disrupted protein product. Loss-of-function variants in TBX20 are known to be pathogenic (PMID: 15901664, 25625280, 26118961, 27510170). This variant is not present in population databases (gnomAD no frequency). This variant has not been reported in the literature in individuals affected with TBX20-related conditions. ClinVar contains an entry for this variant (Variation ID: 1426621). For these reasons, this variant has been classified as Pathogenic.

Literature cited by the submitters: PubMed 15901664; PubMed 25625280; PubMed 26118961; PubMed 27510170.

NM_001077653.2(TBX20):c.853G>T (p.Gly285Ter)

Gene: TBX20 (T-box transcription factor 20; minus strand). Cytogenetic location: 7p14.2.
Variant type: single nucleotide variant.
Coding change: c.853G>T on transcript NM_001077653.2 (MANE Select); coding-DNA position 853, G replaced by T.
Protein change: p.Gly285Ter; replaces glycine 285 with a stop codon.
Molecular consequence: nonsense.
Genome position (GRCh38, 1-based): chr7:35,231,541, C>A on the plus strand (G>T on the coding strand, the complement: TBX20 is on the minus strand). VCF-style: chr7-35231541-C-A. GRCh37 (hg19) VCF-style: chr7-35271153-C-A.
Other names: c.853G>T, p.Gly285Ter (NM_001166220.1); short protein forms G285*.
Identifiers: ClinVar variation 1426621 (VCV001426621.6), dbSNP rs931492981, ClinGen allele CA156925164.